The following is an entry in ClinVar:

ClinVar aggregate classification (germline): Uncertain significance (1 of 4 stars; one submission).

Conditions:
Hereditary cancer-predisposing syndrome. Also called: Neoplastic Syndromes, Hereditary; Tumor predisposition; Hereditary Cancer Syndrome; Hereditary neoplastic syndrome. Identifiers: Orphanet 140162, MedGen C0027672, MeSH D009386, MONDO:0015356.

Submission:

Ambry Genetics
Classification: Uncertain significance for Hereditary cancer-predisposing syndrome. Last evaluated: 2026-06-02. Review status: criteria provided, single submitter. Criteria: Ambry Variant Classification Scheme 2023. Collection method: clinical testing. Allele origin: germline.
Comment: The p.L302R variant (also known as c.905T>G), located in coding exon 5 of the SMARCA4 gene, results from a T to G substitution at nucleotide position 905. The leucine at codon 302 is replaced by arginine, an amino acid with dissimilar properties. This amino acid position is conserved. In addition, this alteration is predicted to be deleterious by in silico analysis. Based on the available evidence, the clinical significance of this variant remains unclear.

NM_003072.5(SMARCA4):c.905T>G (p.Leu302Arg)

Gene: SMARCA4 (SWI/SNF related BAF chromatin remodeling complex subunit ATPase 4; plus strand). Cytogenetic location: 19p13.2.
Variant type: single nucleotide variant.
Coding change: c.905T>G on transcript NM_003072.5 (MANE Select); coding-DNA position 905, T replaced by G.
Protein change: p.Leu302Arg; replaces leucine 302 with arginine.
Molecular consequence: missense variant. On other transcripts: non-coding transcript variant (1).
Genome position (GRCh38, 1-based): chr19:10,987,711, T>G. VCF-style: chr19-10987711-T-G. GRCh37 (hg19) VCF-style: chr19-11098387-T-G.
Other names: c.905T>G, p.Leu302Arg (NM_001128844.3, NM_001128845.2, NM_001128846.2 and 6 more transcripts); short protein forms L302R.
Identifiers: ClinVar variation 4864737 (VCV004864737.1).
Genomic context (GRCh38, chr19:10,987,711, plus strand): 5'-CTTGCCTTCTCCCAGGACCCATGGCGAATGCTGCTGCCCCCACGAGCACCCCTCAGAAGC[T>G]GATTCCCCCGCAGCCAACGGGCCGCCCTTCCCCCGCGCCCCCTGCCGTCCCACCCGCCGC-3'
Protein context (NP_003063.2, residues 292-312): AAAPTSTPQK[Leu302Arg]IPPQPTGRPS